The following is an entry in ClinVar:

NM_001017361.3(KHDC3L):c.585C>T (p.Pro195=)

Gene: KHDC3L (KH domain containing 3 like, subcortical maternal complex member; plus strand). Cytogenetic location: 6q13.
Variant type: single nucleotide variant.
Coding change: c.585C>T on transcript NM_001017361.3 (MANE Select); coding-DNA position 585, C replaced by T.
Protein change: p.Pro195=; no amino-acid change (proline 195 retained).
Molecular consequence: synonymous variant.
Genome position (GRCh38, 1-based): chr6:73,363,791, C>T. VCF-style: chr6-73363791-C-T. GRCh37 (hg19) VCF-style: chr6-74073514-C-T.
Identifiers: ClinVar variation 3250945 (VCV003250945.18), dbSNP rs367677172.
Genomic context (GRCh38, chr6:73,363,791, plus strand): 5'-GGAGGCCGGGACCCAGCAGTCTCTCCAGGCTGCCAACAAGTCGGGGACCCAGCGATCCCC[C>T]GAAGCTGCCAGCAAGGCAGTGACCCAGCGGTTTCGCGAGGATGCCCGGGACCCAGTTACT-3'
Protein context (NP_001017361.1, residues 185-205): AANKSGTQRS[Pro195=]EAASKAVTQR

ClinVar aggregate classification (germline): Likely benign (1 of 4 stars; one submission).

Allele frequency attached by ClinVar (database versions not stated): gnomAD exomes below 0.00001; TOPMed 0.00001; ExAC 0.00002; gnomAD 0.00002; ESP Exome Variant Server 0.00008.

Submission:

CeGaT Center for Human Genetics Tuebingen
Classification: Likely benign. Last evaluated: 2024-06-01. Review status: criteria provided, single submitter. Criteria: CeGaT Center For Human Genetics Tuebingen Variant Classification Criteria Version 2. Collection method: clinical testing. Allele origin: germline. Affected: yes. Observed: 1 variant allele.
Comment: KHDC3L: BP4, BP7